The following is an entry in ClinVar:

NM_005055.5(RAPSN):c.1A>G (p.Met1Val)

Gene: RAPSN (receptor associated protein of the synapse; minus strand). Cytogenetic location: 11p11.2.
Variant type: single nucleotide variant.
Coding change: c.1A>G on transcript NM_005055.5 (MANE Select); coding-DNA position 1, A replaced by G.
Protein change: p.Met1Val; changes the start codon (methionine 1).
Molecular consequence: missense variant, initiator codon variant.
Genome position (GRCh38, 1-based): chr11:47,448,964, T>C on the plus strand (A>G on the coding strand, the complement: RAPSN is on the minus strand). VCF-style: chr11-47448964-T-C. GRCh37 (hg19) VCF-style: chr11-47470516-T-C.
Other names: c.1A>G (NM_005055.4); c.1A>G, p.Met1Val (NM_032645.5); short protein forms M1V.
Identifiers: ClinVar variation 1997928 (VCV001997928.6), dbSNP rs2496138853, ClinGen allele CA380337470.
Genomic context (GRCh38, chr11:47,448,964, plus strand): 5'-GGTTGGACTGGTACAGCTGGAGCCCCTTCTCGATCTGCTGCTTGGTCTGGTCCTGCCCCA[T>C]CCTCCCCAAGCCCTGTGTCCCACGTGGGGTGATCCCTGGTGGCTCCGTGCCTCTAGGCAC-3'
Protein context (NP_005046.2, residues 1-11): [Met1Val]GQDQTKQQIE

ClinVar aggregate classification (germline): Pathogenic/Likely pathogenic. Review status: criteria provided, multiple submitters, no conflicts (2 of 4 stars). 2 submissions from 2 submitters: Pathogenic (1); Likely pathogenic (1). Last evaluated 2025-05-14.

Conditions:
Fetal akinesia deformation sequence 1 (FADS1). Also called: Pena-Shokeir syndrome type I; Fetal akinesia sequence. Identifiers: Orphanet 994, MedGen C1276035, MONDO:0100101, OMIM 208150, HP:0001989.
Congenital myasthenic syndrome 11. Also called: Myasthenic syndrome, congenital, 11, associated with acetylcholine receptor deficiency; MYASTHENIC SYNDROME, CONGENITAL, Ie. Identifiers: Orphanet 590, MedGen C4225367, MONDO:0014588, OMIM 616326.
Congenital myasthenic syndrome (CMS). Also called: Congenital Myasthenic Syndromes. Identifiers: Orphanet 590, MedGen C0751882, MeSH D020294, MONDO:0018940.

Submissions (2):

Natera, Inc.
Classification: Likely pathogenic for Congenital myasthenic syndrome. Last evaluated: 2025-05-14. Review status: criteria provided, single submitter. Criteria: Natera Variant Classification Schema (03/2026). Collection method: clinical testing. Allele origin: germline.
Comment: The c.1A>G variant in RAPSN is predicted to result in start loss due to disruption of the initiator methionine. This variant is expected to result in nonsense mediated decay, truncation, or a dysfunctional protein product. This variant is rare in the general population with a frequency below the threshold expected for the associated phenotype(s). Given the available evidence, this variant is classified as Likely Pathogenic.

Labcorp Genetics (formerly Invitae), Labcorp
Classification: Pathogenic for Congenital myasthenic syndrome 11; Fetal akinesia deformation sequence 1. Last evaluated: 2022-05-22. Review status: criteria provided, single submitter. Criteria: Invitae Variant Classification Sherloc (09022015). Collection method: clinical testing. Allele origin: germline.
Comment: This variant has not been reported in the literature in individuals affected with RAPSN-related conditions. For these reasons, this variant has been classified as Pathogenic. This variant disrupts a region of the RAPSN protein in which other variant(s) (p.Leu14Pro) have been determined to be pathogenic (PMID: 11791205, 12730725, 19620612). This suggests that this is a clinically significant region of the protein, and that variants that disrupt it are likely to be disease-causing. This variant is not present in population databases (gnomAD no frequency). This sequence change affects the initiator methionine of the RAPSN mRNA. The next in-frame methionine is located at codon 40.

Literature cited by the submitters: PubMed 11791205 (cited by Labcorp Genetics (formerly Invitae), Labcorp); PubMed 12730725 (cited by Labcorp Genetics (formerly Invitae), Labcorp); PubMed 19620612 (cited by Labcorp Genetics (formerly Invitae), Labcorp).